The following is an entry in ClinVar:

ClinVar aggregate classification (germline): Uncertain significance (1 of 4 stars; one submission).

Conditions:
Tuberous sclerosis 2 (TSC2). Identifiers: Orphanet 805, MedGen C1860707, MONDO:0013199, OMIM 613254.

Submission:

Labcorp Genetics (formerly Invitae), Labcorp
Classification: Uncertain significance for Tuberous sclerosis 2. Last evaluated: 2022-12-20. Review status: criteria provided, single submitter. Criteria: Invitae Variant Classification Sherloc (09022015). Collection method: clinical testing. Allele origin: germline.
Comment: This sequence change replaces leucine, which is neutral and non-polar, with glutamine, which is neutral and polar, at codon 1767 of the TSC2 protein (p.Leu1767Gln). This variant is not present in population databases (gnomAD no frequency). This variant has not been reported in the literature in individuals affected with TSC2-related conditions. Advanced modeling of protein sequence and biophysical properties (such as structural, functional, and spatial information, amino acid conservation, physicochemical variation, residue mobility, and thermodynamic stability) performed at Invitae indicates that this missense variant is not expected to disrupt TSC2 protein function. In summary, the available evidence is currently insufficient to determine the role of this variant in disease. Therefore, it has been classified as a Variant of Uncertain Significance.

NM_000548.5(TSC2):c.5300T>A (p.Leu1767Gln)

Gene: TSC2 (TSC complex subunit 2; plus strand). Cytogenetic location: 16p13.3.
Variant type: single nucleotide variant.
Coding change: c.5300T>A on transcript NM_000548.5 (MANE Select); coding-DNA position 5300, T replaced by A.
Protein change: p.Leu1767Gln; replaces leucine 1767 with glutamine.
Molecular consequence: missense variant. On other transcripts: non-coding transcript variant (5).
Genome position (GRCh38, 1-based): chr16:2,088,486, T>A. VCF-style: chr16-2088486-T-A. GRCh37 (hg19) VCF-style: chr16-2138487-T-A.
Other names: c.3758T>A, p.Leu1253Gln (NM_001406693.1, NM_001406694.1, NM_001406692.1); c.3755T>A, p.Leu1252Gln (NM_001406695.1, NM_001406696.1, NM_001406697.1); c.3497T>A, p.Leu1166Gln (NM_001406698.1); c.5171T>A, p.Leu1724Gln (NM_021055.3); c.5099T>A, p.Leu1700Gln (NM_001077183.3); c.5231T>A, p.Leu1744Gln (NM_001114382.3); c.4991T>A, p.Leu1664Gln (NM_001318827.2); c.4955T>A, p.Leu1652Gln (NM_001318829.2); and 27 more; short protein forms L1252Q, L1253Q, L1547Q, L1567Q, L1663Q, L1681Q, L1700Q, L1744Q.
Identifiers: ClinVar variation 2822560 (VCV002822560.3), dbSNP rs2544512897, ClinGen allele CA394315331.